The following is an entry in ClinVar:

NM_002474.3(MYH11):c.1129G>A (p.Ala377Thr)

Gene: MYH11 (myosin heavy chain 11; minus strand). Cytogenetic location: 16p13.11.
Variant type: single nucleotide variant.
Coding change: c.1129G>A on transcript NM_002474.3 (MANE Select); coding-DNA position 1129, G replaced by A.
Protein change: p.Ala377Thr; replaces alanine 377 with threonine.
Molecular consequence: missense variant.
Genome position (GRCh38, 1-based): chr16:15,763,796, C>T on the plus strand (G>A on the coding strand, the complement: MYH11 is on the minus strand). VCF-style: chr16-15763796-C-T. GRCh37 (hg19) VCF-style: chr16-15857653-C-T.
Other names: c.1150G>A, p.Ala384Thr (NM_001040113.2, NM_001040114.2); c.1129G>A, p.Ala377Thr (NM_022844.3); short protein forms A377T, A384T.
Identifiers: ClinVar variation 3915415 (VCV003915415.1).
Genomic context (GRCh38, chr16:15,763,796, plus strand): 5'-TCACCTCCCCCACCCCCCCAACCCCAAAGTCATTGGTCATCAGGAAAAAGTGGCAAGTAC[C>T]TGTGTTATCTGGCATGGACGCCTGGTCTGTGTTTCTTTCCTTCTTGAAGACGATATTTCC-3'
Protein context (NP_002465.1, residues 367-387): TDQASMPDNT[Ala377Thr]AQKVCHLMGI

ClinVar aggregate classification (germline): Uncertain significance (1 of 4 stars; one submission).

Conditions:
Familial thoracic aortic aneurysm and aortic dissection (TAAD). Also called: Thoracic aortic aneurysms and dissections. Identifiers: Orphanet 91387, MedGen C4707243, MONDO:0019625.

Submission:

Ambry Genetics
Classification: Uncertain significance for Familial thoracic aortic aneurysm and aortic dissection. Last evaluated: 2025-04-22. Review status: criteria provided, single submitter. Criteria: Ambry Variant Classification Scheme 2023. Collection method: clinical testing. Allele origin: germline.
Comment: The p.A377T variant (also known as c.1129G>A), located in coding exon 9 of the MYH11 gene, results from a G to A substitution at nucleotide position 1129. The amino acid change results in alanine to threonine at codon 377, an amino acid with similar properties. However, this change occurs in the last base pair of coding exon 9, which makes it likely to have some effect on normal mRNA splicing. This nucleotide position is highly conserved in available vertebrate species. In silico splice site analysis for this alteration is inconclusive. This amino acid position is highly conserved in available vertebrate species. In addition, as a missense substitution this is predicted to be inconclusive by in silico analysis. Based on the available evidence, the clinical significance of this variant remains unclear.